The following is an entry in ClinVar:

ClinVar aggregate classification (germline): Likely pathogenic (0 of 4 stars; one submission).

Conditions:
FAN1-related disorder. Also called: FAN1-related condition.

Submission:

PreventionGenetics, part of Exact Sciences
Classification: Likely pathogenic for FAN1-related condition. Last evaluated: 2024-08-05. Review status: no assertion criteria provided. Collection method: clinical testing. Allele origin: germline.
Comment: The FAN1 c.433delC variant is predicted to result in a frameshift and premature protein termination (p.Arg145Valfs*3). To our knowledge, this variant has not been reported in the literature. This variant is reported in 0.011% of alleles in individuals of African descent in gnomAD. Frameshift variants in FAN1 are expected to be pathogenic. This variant is interpreted as likely pathogenic.

NM_014967.5(FAN1):c.433del (p.Arg145fs)

Gene: FAN1 (FANCD2 and FANCI associated nuclease 1; plus strand). Cytogenetic location: 15q13.3.
Variant type: Deletion.
Coding change: c.433del on transcript NM_014967.5 (MANE Select); coding-DNA position 433, one base deleted (C; older notation c.433delC).
Protein change: p.Arg145fs; shifts the reading frame from arginine 145.
Molecular consequence: frameshift variant.
Genome position (GRCh38, 1-based): chr15:30,905,096, C deleted. VCF-style (leftmost placement, unchanged base first): chr15-30905095-TC-T. GRCh37 (hg19) VCF-style: chr15-31197298-TC-T.
Other names: c.433del, p.Arg145fs (NM_001146094.2, NM_001146095.1, NM_001146096.2); short protein forms R145fs.
Identifiers: ClinVar variation 3349090 (VCV003349090.1).